The following is an entry in ClinVar:

ClinVar aggregate classification (germline): Uncertain significance. Review status: criteria provided, multiple submitters, no conflicts (2 of 4 stars). 2 submissions from 2 submitters: Uncertain significance (2). Last evaluated 2025-11-25.

Conditions:
Hereditary cancer-predisposing syndrome. Also called: Neoplastic Syndromes, Hereditary; Tumor predisposition; Hereditary neoplastic syndrome; Hereditary Cancer Syndrome. Identifiers: Orphanet 140162, MedGen C0027672, MeSH D009386, MONDO:0015356.
Carney complex, type 1 (CNC1). Also called: CARNEY MYXOMA-ENDOCRINE COMPLEX; CARNEY COMPLEX, TYPE I. Identifiers: Orphanet 1359, MedGen C2607929, MONDO:0008057, OMIM 160980.

Submissions (2):

Ambry Genetics
Classification: Uncertain significance for Hereditary cancer-predisposing syndrome. Last evaluated: 2025-11-25. Review status: criteria provided, single submitter. Criteria: Ambry Variant Classification Scheme 2023. Collection method: clinical testing. Allele origin: germline.
Comment: The p.L20R variant (also known as c.59T>G), located in coding exon 1 of the PRKAR1A gene, results from a T to G substitution at nucleotide position 59. The leucine at codon 20 is replaced by arginine, an amino acid with dissimilar properties. This amino acid position is not well conserved in available vertebrate species. In addition, the in silico prediction for this alteration is inconclusive. Based on the available evidence, the clinical significance of this variant remains unclear.

3billion
Classification: Uncertain significance for Carney complex, type 1. Last evaluated: 2023-11-14. Review status: criteria provided, single submitter. Criteria: ACMG Guidelines, 2015. Collection method: clinical testing. Allele origin: germline. Affected: yes.
Comment: The variant is not observed in the gnomAD v2.1.1 dataset. Predicted Consequence/Location: Missense variant Therefore, this variant is classified as VUS according to the recommendation of ACMG/AMP guideline.

NM_002734.5(PRKAR1A):c.59T>G (p.Leu20Arg)

Gene: PRKAR1A (protein kinase cAMP-dependent type I regulatory subunit alpha; plus strand). Cytogenetic location: 17q24.2.
Variant type: single nucleotide variant.
Coding change: c.59T>G on transcript NM_002734.5 (MANE Select); coding-DNA position 59, T replaced by G.
Protein change: p.Leu20Arg; replaces leucine 20 with arginine.
Molecular consequence: missense variant.
Genome position (GRCh38, 1-based): chr17:68,515,458, T>G. VCF-style: chr17-68515458-T-G. GRCh37 (hg19) VCF-style: chr17-66511599-T-G.
Other names: c.59T>G, p.Leu20Arg (NM_001276289.2, NM_001276290.1, NM_001278433.2 and 4 more transcripts); short protein forms L20R.
Identifiers: ClinVar variation 826111 (VCV000826111.6), dbSNP rs1600461989, ClinGen allele CA400751882.
Genomic context (GRCh38, chr17:68,515,458, plus strand): 5'-CCATGGAGTCTGGCAGTACCGCCGCCAGTGAGGAGGCACGCAGCCTTCGAGAATGTGAGC[T>G]CTACGTCCAGAAGCATAACATTCAAGCGCTGCTCAAAGATTCTATTGTGCAGTTGTGCAC-3'
Protein context (NP_002725.1, residues 10-30): EEARSLRECE[Leu20Arg]YVQKHNIQAL